The following is an entry in ClinVar:

ClinVar aggregate classification (germline): Uncertain significance (1 of 4 stars; one submission).

Submission:

Labcorp Genetics (formerly Invitae), Labcorp
Classification: Uncertain significance. Last evaluated: 2024-06-15. Review status: criteria provided, single submitter. Criteria: Invitae Variant Classification Sherloc (09022015). Collection method: clinical testing. Allele origin: germline.
Comment: This sequence change replaces arginine, which is basic and polar, with leucine, which is neutral and non-polar, at codon 541 of the ALPK3 protein (p.Arg541Leu). This variant is not present in population databases (gnomAD no frequency). This variant has not been reported in the literature in individuals affected with ALPK3-related conditions. An algorithm developed to predict the effect of missense changes on protein structure and function (PolyPhen-2) suggests that this variant is likely to be tolerated. In summary, the available evidence is currently insufficient to determine the role of this variant in disease. Therefore, it has been classified as a Variant of Uncertain Significance.

NM_020778.5(ALPK3):c.1016G>T (p.Arg339Leu)

Gene: ALPK3 (alpha kinase 3; plus strand). Cytogenetic location: 15q25.3.
Variant type: single nucleotide variant.
Coding change: c.1016G>T on transcript NM_020778.5 (MANE Select); coding-DNA position 1016, G replaced by T.
Protein change: p.Arg339Leu; replaces arginine 339 with leucine.
Molecular consequence: missense variant.
Genome position (GRCh38, 1-based): chr15:84,840,295, G>T. VCF-style: chr15-84840295-G-T. GRCh37 (hg19) VCF-style: chr15-85383526-G-T.
Other names: short protein forms R339L.
Identifiers: ClinVar variation 3656719 (VCV003656719.2).
Genomic context (GRCh38, chr15:84,840,295, plus strand): 5'-AAGATGAGGAATCCAAGCAAGGCCTGCGGAAGCCAGAGTTAGAGAAGGCAGCCCAAAGCC[G>T]CCGTTCTTCAGAAAACTGCATCCCCAGCTCAGACGAGCCTGACTCCTGTGGGACTCAGGG-3'
Protein context (NP_065829.4, residues 329-349): KPELEKAAQS[Arg339Leu]RSSENCIPSS